The following is an entry in ClinVar:

ClinVar aggregate classification (germline): Pathogenic (1 of 4 stars; one submission).

Submission:

CeGaT Center for Human Genetics Tuebingen
Classification: Pathogenic. Last evaluated: 2024-01-01. Review status: criteria provided, single submitter. Criteria: CeGaT Center For Human Genetics Tuebingen Variant Classification Criteria Version 2. Collection method: clinical testing. Allele origin: germline. Affected: yes. Observed: 1 variant allele.
Comment: NPR3: PVS1, PM2, PM3:Supporting

NM_001204375.2(NPR3):c.658dup (p.Val220fs)

Genes: NPR3 (natriuretic peptide receptor 3; plus strand), LOC123493284 (Sharpr-MPRA regulatory region 158; plus strand). Cytogenetic location: 5p13.3.
Variant type: Duplication.
Coding change: c.658dup on transcript NM_001204375.2 (MANE Select); coding-DNA position 658, one base duplicated (G; older notation c.658dupG).
Protein change: p.Val220fs; shifts the reading frame from valine 220.
Molecular consequence: frameshift variant. On other transcripts: intron variant (4).
Genome position (GRCh38, 1-based): chr5:32,712,434, G duplicated; the last of 5 consecutive G bases (chr5:32,712,430-32,712,434); duplicating any one gives the same sequence. VCF-style (leftmost placement, unchanged base first): chr5-32712429-A-AG. GRCh37 (hg19) VCF-style: chr5-32712535-A-AG.
Other names: c.658dup, p.Val220fs (NM_000908.4); c.50-12264dup (NM_001364458.2); c.121+1651dup (NM_001363652.2, NM_001204376.2, NM_001364460.2); short protein forms V220fs.
Identifiers: ClinVar variation 3026452 (VCV003026452.22), dbSNP rs772949649, ClinGen allele CA116849181.